The following is an entry in ClinVar:

ClinVar aggregate classification (germline): Uncertain significance. Review status: criteria provided, multiple submitters, no conflicts (2 of 4 stars). 5 submissions from 5 submitters: Uncertain significance (5). Last evaluated 2026-03-25.

Conditions:
Inborn genetic diseases. Identifiers: MedGen C0950123, MeSH D030342.

Allele frequency attached by ClinVar (database versions not stated): gnomAD 0.00001; gnomAD exomes 0.00001 and 0.00002; ExAC 0.00002; TOPMed 0.00002; ESP Exome Variant Server 0.00008.
gnomAD v4.1: 17 of 1,614,078 alleles (0.0011%); highest among the groups gnomAD compares: Non-Finnish European, 0.0012%; no homozygotes.

Submissions (5):

GeneDx
Classification: Uncertain significance. Last evaluated: 2026-03-25. Review status: criteria provided, single submitter. Criteria: GeneDx Variant Classification Process June 2021. Collection method: clinical testing. Allele origin: germline.
Comment: Not observed at significant frequency in large population cohorts (gnomAD); In silico analysis suggests that this missense variant does not alter protein structure/function; Has not been previously published as pathogenic or benign to our knowledge

CeGaT Center for Human Genetics Tuebingen
Classification: Uncertain significance. Last evaluated: 2025-06-01. Review status: criteria provided, single submitter. Criteria: CeGaT Center For Human Genetics Tuebingen Variant Classification Criteria Version 2. Collection method: clinical testing. Allele origin: germline. Affected: yes. Observed: 1 variant allele.
Comment: RTTN: PM2, PM3:Supporting

Ambry Genetics
Classification: Uncertain significance for Inborn genetic diseases. Last evaluated: 2024-07-26. Review status: criteria provided, single submitter. Criteria: Ambry Variant Classification Scheme 2023. Collection method: clinical testing. Allele origin: germline.

Labcorp Genetics (formerly Invitae), Labcorp
Classification: Uncertain significance. Last evaluated: 2024-04-24. Review status: criteria provided, single submitter. Criteria: Invitae Variant Classification Sherloc (09022015). Collection method: clinical testing. Allele origin: germline.
Comment: This sequence change replaces asparagine, which is neutral and polar, with serine, which is neutral and polar, at codon 54 of the RTTN protein (p.Asn54Ser). This variant is present in population databases (rs370272217, gnomAD 0.004%). This variant has not been reported in the literature in individuals affected with RTTN-related conditions. ClinVar contains an entry for this variant (Variation ID: 942150). Advanced modeling of protein sequence and biophysical properties (such as structural, functional, and spatial information, amino acid conservation, physicochemical variation, residue mobility, and thermodynamic stability) performed at Invitae indicates that this missense variant is expected to disrupt RTTN protein function with a positive predictive value of 80%. In summary, the available evidence is currently insufficient to determine the role of this variant in disease. Therefore, it has been classified as a Variant of Uncertain Significance.

Blueprint Genetics
Classification: Uncertain significance. Last evaluated: 2020-05-27. Review status: criteria provided, single submitter. Criteria: ACMG Guidelines, 2015. Collection method: clinical testing. Allele origin: germline.

NM_173630.4(RTTN):c.161A>G (p.Asn54Ser)

Gene: RTTN (rotatin; minus strand). Cytogenetic location: 18q22.2.
Variant type: single nucleotide variant.
Coding change: c.161A>G on transcript NM_173630.4 (MANE Select); coding-DNA position 161, A replaced by G.
Protein change: p.Asn54Ser; replaces asparagine 54 with serine.
Molecular consequence: missense variant. On other transcripts: 5 prime UTR variant (1).
Genome position (GRCh38, 1-based): chr18:70,205,186, T>C on the plus strand (A>G on the coding strand, the complement: RTTN is on the minus strand). VCF-style: chr18-70205186-T-C. GRCh37 (hg19) VCF-style: chr18-67872422-T-C.
Other names: c.-2393A>G (NM_001318520.2); short protein forms N54S.
Identifiers: ClinVar variation 942150 (VCV000942150.20), dbSNP rs370272217, ClinGen allele CA8996575.